The following is an entry in ClinVar:

NM_001127222.2(CACNA1A):c.3175C>T (p.Pro1059Ser)

Gene: CACNA1A (calcium voltage-gated channel subunit alpha1 A; minus strand). Cytogenetic location: 19p13.13.
Variant type: single nucleotide variant.
Coding change: c.3175C>T on transcript NM_001127222.2 (MANE Select); coding-DNA position 3175, C replaced by T.
Protein change: p.Pro1059Ser; replaces proline 1059 with serine.
Molecular consequence: missense variant.
Genome position (GRCh38, 1-based): chr19:13,286,881, G>A on the plus strand (C>T on the coding strand, the complement: CACNA1A is on the minus strand). VCF-style: chr19-13286881-G-A. GRCh37 (hg19) VCF-style: chr19-13397695-G-A.
Other names: c.3187C>T, p.Pro1063Ser (NM_000068.4, NM_023035.3); c.3178C>T, p.Pro1060Ser (NM_001127221.2, NM_001174080.2); short protein forms P1060S, P1063S, P1059S.
Identifiers: ClinVar variation 585563 (VCV000585563.56), dbSNP rs775079932, ClinGen allele CA9240395.
Genomic context (GRCh38, chr19:13,286,881, plus strand): 5'-CCGACTCCGCGGTGGCCAGCTTGTTGTTCTTCATGTTGTCAATATCCTCTGCCAGGGGTG[G>A]GTCTTGGCGGCCCAGGTCCTGCTGGATTGGCCGGGTGGTTGACAGGTTGGGGCCCGACAC-3'
Protein context (NP_001120694.1, residues 1049-1069): PIQQDLGRQD[Pro1059Ser]PLAEDIDNMK

ClinVar aggregate classification (germline): Conflicting classifications of pathogenicity. Review status: criteria provided, conflicting classifications (1 of 4 stars). 5 submissions from 5 submitters: Uncertain significance (2); Likely benign (3). Last evaluated 2025-09-03.

Conditions:
Developmental and epileptic encephalopathy, 42 (DEE42A). Also called: DEVELOPMENTAL AND EPILEPTIC ENCEPHALOPATHY 42A; Epileptic encephalopathy, early infantile, 42; EPILEPTIC ENCEPHALOPATHY, EARLY INFANTILE, 42A. Identifiers: MedGen C4310716, MONDO:0014917, OMIM 617106.
Episodic ataxia type 2 (EA2). Also called: ATAXIA, EPISODIC, WITH NYSTAGMUS; ATAXIA, FAMILIAL PAROXYSMAL; CEREBELLAR ATAXIA, PAROXYSMAL, ACETAZOLAMIDE-RESPONSIVE; CEREBELLOPATHY, HEREDITARY PAROXYSMAL; EPISODIC ATAXIA, NYSTAGMUS-ASSOCIATED; ACETAZOLAMIDE-RESPONSIVE HEREDITARY PAROXYSMAL CEREBELLAR ATAXIA. Identifiers: Orphanet 97, MedGen C1720416, MONDO:0007163, OMIM 108500.
Inborn genetic diseases. Identifiers: MedGen C0950123, MeSH D030342.

Allele frequency attached by ClinVar (database versions not stated): gnomAD exomes 0.00004 and 0.00005; ExAC 0.00005; TOPMed 0.00003; gnomAD 0.00004.

Submissions (5):

Labcorp Genetics (formerly Invitae), Labcorp
Classification: Likely benign for Developmental and epileptic encephalopathy, 42; Episodic ataxia type 2. Last evaluated: 2025-09-03. Review status: criteria provided, single submitter. Criteria: Invitae Variant Classification Sherloc (09022015). Collection method: clinical testing. Allele origin: germline.

CeGaT Center for Human Genetics Tuebingen
Classification: Uncertain significance. Last evaluated: 2023-11-01. Review status: criteria provided, single submitter. Criteria: CeGaT Center For Human Genetics Tuebingen Variant Classification Criteria Version 2. Collection method: clinical testing. Allele origin: germline. Affected: yes. Observed: 5 variant alleles.

GeneDx
Classification: Likely benign. Last evaluated: 2020-04-02. Review status: criteria provided, single submitter. Criteria: GeneDx Variant Classification Process June 2021. Collection method: clinical testing. Allele origin: germline. Affected: yes.
Comment: This variant is associated with the following publications: (PMID: 31731261)

Ambry Genetics
Classification: Likely benign for Inborn genetic diseases. Last evaluated: 2019-05-04. Review status: criteria provided, single submitter. Criteria: Ambry Variant Classification Scheme 2023. Collection method: clinical testing. Allele origin: germline.

Athena Diagnostics
Classification: Uncertain significance. Last evaluated: 2017-12-30. Review status: criteria provided, single submitter. Criteria: Athena Diagnostics Criteria. Collection method: clinical testing. Allele origin: germline.